The following is an entry in ClinVar:

NM_001605.3(AARS1):c.416G>A (p.Gly139Asp)

Gene: AARS1 (alanyl-tRNA synthetase 1; minus strand). Cytogenetic location: 16q22.1.
Variant type: single nucleotide variant.
Coding change: c.416G>A on transcript NM_001605.3 (MANE Select); coding-DNA position 416, G replaced by A.
Protein change: p.Gly139Asp; replaces glycine 139 with aspartic acid.
Molecular consequence: missense variant.
Genome position (GRCh38, 1-based): chr16:70,276,549, C>T on the plus strand (G>A on the coding strand, the complement: AARS1 is on the minus strand). VCF-style: chr16-70276549-C-T. GRCh37 (hg19) VCF-style: chr16-70310452-C-T.
Other names: short protein forms G139D.
Identifiers: ClinVar variation 3715182 (VCV003715182.2).

ClinVar aggregate classification (germline): Uncertain significance (1 of 4 stars; one submission).

Conditions:
Charcot-Marie-Tooth disease type 2. Also called: Charcot-Marie-Tooth type 2. Identifiers: Orphanet 64746, MedGen C0270914, MONDO:0018993.

gnomAD v4.1: 3 of 1,614,104 alleles (0.00019%); highest among the groups gnomAD compares: Non-Finnish European, 0.00025%; no homozygotes.

Submission:

Labcorp Genetics (formerly Invitae), Labcorp
Classification: Uncertain significance for Charcot-Marie-Tooth disease type 2. Last evaluated: 2024-02-21. Review status: criteria provided, single submitter. Criteria: Invitae Variant Classification Sherloc (09022015). Collection method: clinical testing. Allele origin: germline.
Comment: This sequence change replaces glycine, which is neutral and non-polar, with aspartic acid, which is acidic and polar, at codon 139 of the AARS protein (p.Gly139Asp). This variant is not present in population databases (gnomAD no frequency). This variant has not been reported in the literature in individuals affected with AARS-related conditions. Advanced modeling of protein sequence and biophysical properties (such as structural, functional, and spatial information, amino acid conservation, physicochemical variation, residue mobility, and thermodynamic stability) has been performed at Invitae for this missense variant, however the output from this modeling did not meet the statistical confidence thresholds required to predict the impact of this variant on AARS protein function. In summary, the available evidence is currently insufficient to determine the role of this variant in disease. Therefore, it has been classified as a Variant of Uncertain Significance.